The following is an entry in ClinVar:

ClinVar aggregate classification (germline): Uncertain significance (1 of 4 stars; one submission).

gnomAD v4.1: 1 of 1,613,356 alleles (0.000062%); highest among the groups gnomAD compares: Non-Finnish European, 0.000085%; no homozygotes.

Submission:

Labcorp Genetics (formerly Invitae), Labcorp
Classification: Uncertain significance. Last evaluated: 2025-07-09. Review status: criteria provided, single submitter. Criteria: Invitae Variant Classification Sherloc (09022015). Collection method: clinical testing. Allele origin: germline.
Comment: This sequence change replaces arginine, which is basic and polar, with lysine, which is basic and polar, at codon 710 of the KMT2A protein (p.Arg710Lys). This variant is present in population databases (no rsID available, gnomAD 0.002%). This variant has not been reported in the literature in individuals affected with KMT2A-related conditions. Invitae Evidence Modeling of protein sequence and biophysical properties (such as structural, functional, and spatial information, amino acid conservation, physicochemical variation, residue mobility, and thermodynamic stability) has been performed for this missense variant. However, the output from this modeling did not meet the statistical confidence thresholds required to predict the impact of this variant on KMT2A protein function. In summary, the available evidence is currently insufficient to determine the role of this variant in disease. Therefore, it has been classified as a Variant of Uncertain Significance.

NM_001197104.2(KMT2A):c.2129G>A (p.Arg710Lys)

Gene: KMT2A (lysine methyltransferase 2A; plus strand). Cytogenetic location: 11q23.3.
Variant type: single nucleotide variant.
Coding change: c.2129G>A on transcript NM_001197104.2 (MANE Select); coding-DNA position 2129, G replaced by A.
Protein change: p.Arg710Lys; replaces arginine 710 with lysine.
Molecular consequence: missense variant.
Genome position (GRCh38, 1-based): chr11:118,473,288, G>A. VCF-style: chr11-118473288-G-A. GRCh37 (hg19) VCF-style: chr11-118344003-G-A.
Other names: c.2228G>A, p.Arg743Lys (NM_001412597.1); c.2129G>A, p.Arg710Lys (NM_005933.4); short protein forms R743K, R710K.
Identifiers: ClinVar variation 4703164 (VCV004703164.1).